The following is an entry in ClinVar:

NM_001267550.2(TTN):c.28463-14G>A

Gene: TTN (titin; minus strand). Cytogenetic location: 2q31.2.
Variant type: single nucleotide variant.
Coding change: c.28463-14G>A on transcript NM_001267550.2 (MANE Select); 14 bases into the intron before coding-DNA position 28463, G replaced by A.
Molecular consequence: intron variant.
Genome position (GRCh38, 1-based): chr2:178,709,870, C>T on the plus strand (G>A on the coding strand, the complement: TTN is on the minus strand). VCF-style: chr2-178709870-C-T. GRCh37 (hg19) VCF-style: chr2-179574597-C-T.
Other names: c.13282+28212G>A (NM_003319.4); c.13858+28212G>A (NM_133437.4); c.13657+28212G>A (NM_133432.3); c.24731-14G>A (NM_133378.4); c.27512-14G>A (NM_001256850.1).
Identifiers: ClinVar variation 46810 (VCV000046810.20), dbSNP rs200917885, ClinGen allele CA139256.

ClinVar aggregate classification (germline): Conflicting classifications of pathogenicity. Review status: criteria provided, conflicting classifications (1 of 4 stars). 9 submissions from 5 submitters: Uncertain significance (4); Benign (4); Likely benign (1). Last evaluated 2026-02-03.

Conditions:
Autosomal recessive limb-girdle muscular dystrophy type 2J (LGMDR10). Also called: Limb-girdle muscular dystrophy, type 2J; MUSCULAR DYSTROPHY, LIMB-GIRDLE, AUTOSOMAL RECESSIVE 10. Identifiers: Orphanet 140922, MedGen C1837342, MONDO:0012127, OMIM 608807.
Dilated cardiomyopathy 1G (CMD1G). Identifiers: Orphanet 154, MedGen C1858763, MONDO:0011400, OMIM 604145.
Myopathy, myofibrillar, 9, with early respiratory failure (MFM9). Also called: EDSTROM MYOPATHY; MYOPATHY, PROXIMAL, WITH EARLY RESPIRATORY MUSCLE INVOLVEMENT; Hereditary myopathy with early respiratory failure; Myopathy, distal, with early respiratory failure, autosomal dominant. Identifiers: Orphanet 178464, Orphanet 34521, MedGen C1863599, MONDO:0011362, OMIM 603689.
Early-onset myopathy with fatal cardiomyopathy (CMYO5). Also called: Salih Myopathy; CONGENITAL MYOPATHY 5 WITH CARDIOMYOPATHY. Identifiers: Orphanet 289377, MedGen C2673677, MONDO:0012714, OMIM 611705. Disease mechanism: loss of function.
Tibial muscular dystrophy (TMD). Also called: Udd Distal Myopathy – Tibial Muscular Dystrophy; UDD MYOPATHY; Tibial muscular dystrophy, tardive. Identifiers: Orphanet 609, MedGen C1838244, MONDO:0010870, OMIM 600334.

Allele frequency attached by ClinVar (database versions not stated): gnomAD 0.00028 and 0.00026; gnomAD exomes 0.00029 and 0.00054; TOPMed 0.00029; ExAC 0.00038; ESP Exome Variant Server 0.00051.
gnomAD v4.1: 496 of 1,601,952 alleles (0.031%); highest among the groups gnomAD compares: Non-Finnish European, 0.0058%; 1 homozygote.

Submissions (9):

Labcorp Genetics (formerly Invitae), Labcorp
Classification: Benign for Dilated cardiomyopathy 1G; Autosomal recessive limb-girdle muscular dystrophy type 2J. Last evaluated: 2026-02-03. Review status: criteria provided, single submitter. Criteria: Invitae Variant Classification Sherloc (09022015). Collection method: clinical testing. Allele origin: germline.

Blueprint Genetics
Classification: Likely benign. Last evaluated: 2024-06-07. Review status: criteria provided, single submitter. Criteria: ACMG Guidelines, 2015. Collection method: clinical testing. Allele origin: germline.

Illumina Laboratory Services, Illumina
Classification: Benign for Tibial muscular dystrophy. Last evaluated: 2018-01-13. Review status: criteria provided, single submitter. Criteria: ICSL Variant Classification Criteria 13 December 2019. Collection method: clinical testing. Allele origin: germline.
Comment: This variant was observed in the ICSL laboratory as part of a predisposition screen in an ostensibly healthy population. It had not been previously curated by ICSL or reported in the Human Gene Mutation Database (HGMD: prior to June 1st, 2018), and was therefore a candidate for classification through an automated scoring system. Utilizing variant allele frequency, disease prevalence and penetrance estimates, and inheritance mode, an automated score was calculated to assess if this variant is too frequent to cause the disease. Based on the score and internal cut-off values, a variant classified as benign is not then subjected to further curation. The score for this variant resulted in a classification of benign for this disease.

Illumina Laboratory Services, Illumina
Classification: Uncertain significance for Autosomal recessive limb-girdle muscular dystrophy type 2J. Last evaluated: 2018-01-13. Review status: criteria provided, single submitter. Criteria: ICSL Variant Classification Criteria 13 December 2019. Collection method: clinical testing. Allele origin: germline.

Illumina Laboratory Services, Illumina
Classification: Benign for Myopathy, myofibrillar, 9, with early respiratory failure. Last evaluated: 2018-01-13. Review status: criteria provided, single submitter. Criteria: ICSL Variant Classification Criteria 13 December 2019. Collection method: clinical testing. Allele origin: germline.
Comment: the same text as in the submission from Illumina Laboratory Services, Illumina above.

Illumina Laboratory Services, Illumina
Classification: Uncertain significance for Early-onset myopathy with fatal cardiomyopathy. Last evaluated: 2018-01-13. Review status: criteria provided, single submitter. Criteria: ICSL Variant Classification Criteria 13 December 2019. Collection method: clinical testing. Allele origin: germline.

Illumina Laboratory Services, Illumina
Classification: Uncertain significance for Dilated cardiomyopathy 1G. Last evaluated: 2018-01-13. Review status: criteria provided, single submitter. Criteria: ICSL Variant Classification Criteria 13 December 2019. Collection method: clinical testing. Allele origin: germline.

GeneDx
Classification: Benign. Last evaluated: 2015-03-03. Review status: criteria provided, single submitter. Criteria: GeneDx Variant Classification Process June 2021. Collection method: clinical testing. Allele origin: germline. Affected: yes.

Laboratory for Molecular Medicine, Mass General Brigham Personalized Medicine
Classification: Uncertain significance. Last evaluated: 2012-03-22. Review status: criteria provided, single submitter. Criteria: LMM Criteria. Collection method: clinical testing. Allele origin: germline. Observed: 1 variant allele.
Comment: Variant classified as Uncertain Significance - Favor Benign. The 24731-14G>A var iant in TTN has been identified in 0.1% (6/6516) of European American chromosome s from a broad population by the NHLBI Exome Sequencing Project. While this frequency suggests that this variant is more like ly benign, it is too low to confidently rule out a disease causing role. This va riant is located in the 3' splice region and computational tools do not predict altered splicing, though this information is not predictive enough to rule out p athogenicity. Additional information is needed to full assess its clinical signi ficance.